The following is an entry in ClinVar:

ClinVar aggregate classification (germline): Uncertain significance. Review status: criteria provided, single submitter (1 of 4 stars). 3 submissions from 2 submitters: Uncertain significance (2). 1 of the submissions does not count toward it.

Conditions:
Transitory neonatal diabetes mellitus. Also called: Transient neonatal diabetes mellitus. Identifiers: MedGen C0342273, MONDO:0020525, HP:0008255.
Maturity-onset diabetes of the young (MODY). Also called: Maturity onset diabetes mellitus in young. Identifiers: Orphanet 552, MedGen C0342276, MONDO:0018911, HP:0004904.
Hyperinsulinemic hypoglycemia, familial, 1 (HHF1). Also called: Persistent hyperinsulinemic hypoglycemia of infancy; HYPERINSULINISM, FAMILIAL, WITH PANCREATIC NESIDIOBLASTOSIS; HYPOGLYCEMIA, HYPERINSULINEMIC, OF INFANCY; NESIDIOBLASTOSIS OF PANCREAS; Persistent Hyperinsulinemia Hypoglycemia of Infancy. Identifiers: Orphanet 276575, Orphanet 276598, MedGen C2931832, MONDO:0009734, OMIM 256450.

Submissions (3):

Clinical Genomics, Uppaluri K&H Personalized Medicine Clinic
Classification: Uncertain significance for Maturity-onset diabetes of the young. Review status: criteria provided, single submitter. Criteria: K & H Uppaluri Personalized Medicine Clinic Variant Classification & Assertion Criteria_Updated V.1. Collection method: research. Allele origin: unknown. Inheritance: Somatic mutation.
Comment: Mutations in ABCC8 gene are associated with both neonatal diabetes mellitus as well as MODY. Patients with this mutation may have a better response to sulfonylureas. However, no sufficient evidence is found to ascertain the role of this particular variant ( rs774574576) in MODY yet.

Clinical Genomics, Uppaluri K&H Personalized Medicine Clinic
Classification: Uncertain significance for Transitory neonatal diabetes mellitus. Review status: criteria provided, single submitter. Criteria: K & H Uppaluri Personalized Medicine Clinic Variant Classification & Assertion Criteria_Updated V.1. Collection method: research. Allele origin: unknown. Inheritance: Somatic mutation.
Comment: Mutations in ABCC8 gene are associated with both neonatal diabetes mellitus as well as MODY. Patients with this mutation may have a better response to sulfonylureas. However, no sufficient evidence is found to ascertain the role of this particular variant (rs774574576) in neonatal diabetes yet.

Counsyl
Classification: Likely pathogenic for Hyperinsulinemic hypoglycemia, familial, 1. Last evaluated: 2017-06-20. Review status: no assertion criteria provided. Collection method: clinical testing. Allele origin: unknown. Not counted in ClinVar's aggregate classification.

Literature cited by the submitters: PubMed 16885549 (cited by Clinical Genomics, Uppaluri K&H Personalized Medicine Clinic); PubMed 21989597 (cited by Clinical Genomics, Uppaluri K&H Personalized Medicine Clinic); PubMed 27538677 (cited by Clinical Genomics, Uppaluri K&H Personalized Medicine Clinic); PubMed 18981553 (cited by Clinical Genomics, Uppaluri K&H Personalized Medicine Clinic); PubMed 32027066 (cited by Clinical Genomics, Uppaluri K&H Personalized Medicine Clinic); PubMed 16613899 (cited by Clinical Genomics, Uppaluri K&H Personalized Medicine Clinic); PubMed 18025408 (cited by Clinical Genomics, Uppaluri K&H Personalized Medicine Clinic); PubMed 32792356 (cited by Clinical Genomics, Uppaluri K&H Personalized Medicine Clinic).

NM_000352.6(ABCC8):c.2694+1G>C

Gene: ABCC8 (ATP binding cassette subfamily C member 8; minus strand). Cytogenetic location: 11p15.1.
Variant type: single nucleotide variant.
Coding change: c.2694+1G>C on transcript NM_000352.6 (MANE Select); the canonical splice donor site of the intron after coding-DNA position 2694, G replaced by C.
Molecular consequence: splice donor variant.
Genome position (GRCh38, 1-based): chr11:17,410,515, C>G on the plus strand (G>C on the coding strand, the complement: ABCC8 is on the minus strand). VCF-style: chr11-17410515-C-G. GRCh37 (hg19) VCF-style: chr11-17432062-C-G.
Other names: c.2691+1G>C (NM_001351297.2); c.2694+1G>C (NM_001351296.2); c.2760+1G>C (NM_001351295.2); c.2697+1G>C (NM_001287174.3).
Identifiers: ClinVar variation 552551 (VCV000552551.3), dbSNP rs774574576, ClinGen allele CA379805875.
Genomic context (GRCh38, chr11:17,410,515, plus strand): 5'-AGATGCCTGACAGCCTCCCCAGCCCTGCCCCCTATAGCCTGACCCCCTTGTTCCCCCTCA[C>G]CCAGTCTGCATGGGGCAGGTACTGTAGCTTGTGGGTCACTAAGACCACTGTCCTCTTGTC-3'